The following is an entry in ClinVar:

ClinVar aggregate classification (germline): Uncertain significance (1 of 4 stars; one submission).

Conditions:
Familial cancer of breast. Also called: hereditary breast carcinoma; BREAST CANCER, FAMILIAL; Hereditary breast cancer. Identifiers: Orphanet 227535, MedGen C0346153, MONDO:0016419, OMIM 114480. Disease mechanism: loss of function.

Submission:

Labcorp Genetics (formerly Invitae), Labcorp
Classification: Uncertain significance for Familial cancer of breast. Last evaluated: 2019-07-23. Review status: criteria provided, single submitter. Criteria: Invitae Variant Classification Sherloc (09022015). Collection method: clinical testing. Allele origin: germline.
Comment: This sequence change replaces serine with glycine at codon 448 of the PALB2 protein (p.Ser448Gly). The serine residue is weakly conserved and there is a small physicochemical difference between serine and glycine. This variant is not present in population databases (ExAC no frequency). This variant has not been reported in the literature in individuals with PALB2-related conditions. Algorithms developed to predict the effect of missense changes on protein structure and function (SIFT, PolyPhen-2, Align-GVGD) all suggest that this variant is likely to be tolerated, but these predictions have not been confirmed by published functional studies and their clinical significance is uncertain. Algorithms developed to predict the effect of sequence changes on RNA splicing suggest that this variant may create or strengthen a splice site, but this prediction has not been confirmed by published transcriptional studies. In summary, the available evidence is currently insufficient to determine the role of this variant in disease. Therefore, it has been classified as a Variant of Uncertain Significance.

NM_024675.4(PALB2):c.1342A>G (p.Ser448Gly)

Gene: PALB2 (partner and localizer of BRCA2; minus strand). Cytogenetic location: 16p12.2.
Variant type: single nucleotide variant.
Coding change: c.1342A>G on transcript NM_024675.4 (MANE Select); coding-DNA position 1342, A replaced by G.
Protein change: p.Ser448Gly; replaces serine 448 with glycine.
Molecular consequence: missense variant.
Genome position (GRCh38, 1-based): chr16:23,635,204, T>C on the plus strand (A>G on the coding strand, the complement: PALB2 is on the minus strand). VCF-style: chr16-23635204-T-C. GRCh37 (hg19) VCF-style: chr16-23646525-T-C.
Other names: short protein forms S448G.
Identifiers: ClinVar variation 942759 (VCV000942759.10), dbSNP rs1966975915, ClinGen allele CA395132223.